The following is an entry in ClinVar:

ClinVar aggregate classification (germline): Benign. Review status: criteria provided, multiple submitters, no conflicts (2 of 4 stars). 2 submissions from 2 submitters: Benign (2). Last evaluated 2018-06-18.

Allele frequency attached by ClinVar (database versions not stated): gnomAD 0.34566; TOPMed 0.36327; 1000 Genomes Project 0.39257; 1000 Genomes Project 30x 0.39819.
gnomAD v4.1: 305,537 of 1,331,480 alleles (23%); highest among the groups gnomAD compares: African/African-American, 72%; 44,998 homozygotes.

Submissions (2):

GeneDx
Classification: Benign. Last evaluated: 2018-06-18. Review status: criteria provided, single submitter. Criteria: GeneDx Variant Classification (06012015). Collection method: clinical testing. Allele origin: germline. Affected: yes.
Comment: This variant is considered likely benign or benign based on one or more of the following criteria: it is a conservative change, it occurs at a poorly conserved position in the protein, it is predicted to be benign by multiple in silico algorithms, and/or has population frequency not consistent with disease.

Breakthrough Genomics
Classification: Benign. Review status: criteria provided, single submitter. Criteria: ACMG Guidelines, 2015. Collection method: not provided. Allele origin: germline. Inheritance: Autosomal dominant inheritance. Affected: yes.

NM_001376.5(DYNC1H1):c.9468+108T>C

Genes: DYNC1H1 (dynein cytoplasmic 1 heavy chain 1; plus strand), LOC126862060 (BRD4-independent group 4 enhancer GRCh37_chr14:102493659-102494858; plus strand). Cytogenetic location: 14q32.31.
Variant type: single nucleotide variant.
Coding change: c.9468+108T>C on transcript NM_001376.5 (MANE Select); 108 bases into the intron after coding-DNA position 9468, T replaced by C.
Molecular consequence: intron variant.
Genome position (GRCh38, 1-based): chr14:102,028,249, T>C. VCF-style: chr14-102028249-T-C. GRCh37 (hg19) VCF-style: chr14-102494586-T-C.
Identifiers: ClinVar variation 679351 (VCV000679351.2), dbSNP rs4906173, ClinGen allele CA13950809.